The following is an entry in ClinVar:

ClinVar aggregate classification (germline): Uncertain significance (1 of 4 stars; one submission).

Allele frequency attached by ClinVar (database versions not stated): gnomAD exomes below 0.00001; ExAC 0.00001; TOPMed 0.00002; gnomAD 0.00003 and 0.00004.
gnomAD v4.1: 7 of 1,613,622 alleles (0.00043%); highest among the groups gnomAD compares: African/African-American, 0.0094%; no homozygotes.

Submission:

Labcorp Genetics (formerly Invitae), Labcorp
Classification: Uncertain significance. Last evaluated: 2024-05-14. Review status: criteria provided, single submitter. Criteria: Invitae Variant Classification Sherloc (09022015). Collection method: clinical testing. Allele origin: germline.
Comment: This sequence change replaces tyrosine, which is neutral and polar, with cysteine, which is neutral and slightly polar, at codon 3423 of the PCLO protein (p.Tyr3423Cys). This variant is present in population databases (rs764846082, gnomAD 0.02%). This variant has not been reported in the literature in individuals affected with PCLO-related conditions. ClinVar contains an entry for this variant (Variation ID: 1441752). Experimental studies and prediction algorithms are not available or were not evaluated, and the functional significance of this variant is currently unknown. In summary, the available evidence is currently insufficient to determine the role of this variant in disease. Therefore, it has been classified as a Variant of Uncertain Significance.

NM_033026.6(PCLO):c.10268A>G (p.Tyr3423Cys)

Gene: PCLO (piccolo presynaptic cytomatrix protein; minus strand). Cytogenetic location: 7q21.11.
Variant type: single nucleotide variant.
Coding change: c.10268A>G on transcript NM_033026.6 (MANE Select); coding-DNA position 10268, A replaced by G.
Protein change: p.Tyr3423Cys; replaces tyrosine 3423 with cysteine.
Molecular consequence: missense variant.
Genome position (GRCh38, 1-based): chr7:82,950,320, T>C on the plus strand (A>G on the coding strand, the complement: PCLO is on the minus strand). VCF-style: chr7-82950320-T-C. GRCh37 (hg19) VCF-style: chr7-82579636-T-C.
Other names: c.10268A>G, p.Tyr3423Cys (NM_014510.3); short protein forms Y3423C.
Identifiers: ClinVar variation 1441752 (VCV001441752.8), dbSNP rs764846082, ClinGen allele CA4319765.